The following is an entry in ClinVar:

ClinVar aggregate classification (germline): Uncertain significance (1 of 4 stars; one submission).

Conditions:
Hereditary cancer-predisposing syndrome. Also called: Tumor predisposition; Hereditary Cancer Syndrome; Hereditary neoplastic syndrome; Neoplastic Syndromes, Hereditary. Identifiers: Orphanet 140162, MedGen C0027672, MeSH D009386, MONDO:0015356.

Submission:

Ambry Genetics
Classification: Uncertain significance for Hereditary cancer-predisposing syndrome. Last evaluated: 2024-05-08. Review status: criteria provided, single submitter. Criteria: Ambry Variant Classification Scheme 2023. Collection method: clinical testing. Allele origin: germline.
Comment: The p.L1660Q variant (also known as c.4979T>A), located in coding exon 15 of the APC gene, results from a T to A substitution at nucleotide position 4979. The leucine at codon 1660 is replaced by glutamine, an amino acid with dissimilar properties. This amino acid position is conserved. In addition, in silico predictors for this gene do not accurately predict pathogenicity. Based on the available evidence, the clinical significance of this variant remains unclear.

NM_000038.6(APC):c.4979T>A (p.Leu1660Gln)

Gene: APC (APC regulator of Wnt signaling pathway; plus strand). Cytogenetic location: 5q22.2.
Variant type: single nucleotide variant.
Coding change: c.4979T>A on transcript NM_000038.6 (MANE Select); coding-DNA position 4979, T replaced by A.
Protein change: p.Leu1660Gln; replaces leucine 1660 with glutamine.
Molecular consequence: missense variant. On other transcripts: non-coding transcript variant (2).
Genome position (GRCh38, 1-based): chr5:112,840,573, T>A. VCF-style: chr5-112840573-T-A. GRCh37 (hg19) VCF-style: chr5-112176270-T-A.
Other names: c.4979T>A, p.Leu1660Gln (NM_001127510.3, NM_001354895.2, NM_001407450.1); c.4925T>A, p.Leu1642Gln (NM_001127511.3); c.5033T>A, p.Leu1678Gln (NM_001354896.2, NM_001407447.1, NM_001407448.1 and 1 more transcripts); c.5009T>A, p.Leu1670Gln (NM_001354897.2); c.4904T>A, p.Leu1635Gln (NM_001354898.2); c.4895T>A, p.Leu1632Gln (NM_001354899.2); c.4856T>A, p.Leu1619Gln (NM_001354900.2); c.4802T>A, p.Leu1601Gln (NM_001354901.2, NM_001407453.1); and 11 more; short protein forms L1500Q, L1531Q, L1559Q, L1577Q, L1619Q, L1642Q, L1276Q, L1377Q.
Identifiers: ClinVar variation 3305263 (VCV003305263.1).